The following is an entry in ClinVar:

NM_004714.3(DYRK1B):c.1446C>G (p.Thr482=)

Gene: DYRK1B (dual specificity tyrosine phosphorylation regulated kinase 1B; minus strand). Cytogenetic location: 19q13.2.
Variant type: single nucleotide variant.
Coding change: c.1446C>G on transcript NM_004714.3 (MANE Select); coding-DNA position 1446, C replaced by G.
Protein change: p.Thr482=; no amino-acid change (threonine 482 retained).
Molecular consequence: synonymous variant.
Genome position (GRCh38, 1-based): chr19:39,826,252, G>C on the plus strand (C>G on the coding strand, the complement: DYRK1B is on the minus strand). VCF-style: chr19-39826252-G-C. GRCh37 (hg19) VCF-style: chr19-40316892-G-C.
Other names: c.1326C>G, p.Thr442= (NM_006483.3); c.1362C>G, p.Thr454= (NM_006484.3).
Identifiers: ClinVar variation 3344138 (VCV003344138.1).

ClinVar aggregate classification (germline): Likely benign (0 of 4 stars; one submission).

Conditions:
DYRK1B-related disorder. Also called: DYRK1B-related condition.

Submission:

PreventionGenetics, part of Exact Sciences
Classification: Likely benign for DYRK1B-related condition. Last evaluated: 2024-06-28. Review status: no assertion criteria provided. Collection method: clinical testing. Allele origin: germline.
Comment: This variant is classified as likely benign based on ACMG/AMP sequence variant interpretation guidelines (Richards et al. 2015 PMID: 25741868, with internal and published modifications).